The following is an entry in ClinVar:

ClinVar aggregate classification (germline): Conflicting classifications of pathogenicity. Review status: criteria provided, conflicting classifications (1 of 4 stars). 6 submissions from 6 submitters: Uncertain significance (4); Likely benign (2). Last evaluated 2025-11-12.

Conditions:
Hereditary breast ovarian cancer syndrome. Also called: Hereditary breast and ovarian cancer syndrome (HBOC); BRCA1- and BRCA2-Associated Hereditary Breast and Ovarian Cancer; Hereditary breast and/or ovarian cancer syndrome; Hereditary breast and ovarian cancer syndrome; Hereditary breast and ovarian cancer; Breast and ovarian cancer. Identifiers: Orphanet 145, MedGen C0677776, MeSH D061325, MONDO:0003582. Disease mechanism: loss of function.
Breast and/or ovarian cancer. Identifiers: MedGen CN221562.
Hereditary cancer-predisposing syndrome. Also called: Neoplastic Syndromes, Hereditary; Hereditary neoplastic syndrome; Tumor predisposition; Hereditary Cancer Syndrome. Identifiers: Orphanet 140162, MedGen C0027672, MeSH D009386, MONDO:0015356.
Breast-ovarian cancer, familial, susceptibility to, 1 (BROVCA1). Also called: BRCA1 Hereditary Breast and Ovarian Cancer; OVARIAN CANCER, SUSCEPTIBILITY TO. Identifiers: Orphanet 145, MedGen C2676676, MONDO:0011450, OMIM 604370. Disease mechanism: loss of function.

gnomAD v4.1: 12 of 1,602,586 alleles (0.00075%); highest among the groups gnomAD compares: Non-Finnish European, 0.001%; no homozygotes.

Submissions (6):

Labcorp Genetics (formerly Invitae), Labcorp
Classification: Uncertain significance for Hereditary breast ovarian cancer syndrome. Last evaluated: 2025-11-12. Review status: criteria provided, single submitter. Criteria: Invitae Variant Classification Sherloc (09022015). Collection method: clinical testing. Allele origin: germline.
Comment: This sequence change replaces valine, which is neutral and non-polar, with methionine, which is neutral and non-polar, at codon 494 of the BRCA2 protein (p.Val494Met). This variant is not present in population databases (gnomAD no frequency). This missense change has been observed in individual(s) with BRCA2-related conditions (PMID: 21520333, 39252027). ClinVar contains an entry for this variant (Variation ID: 441462). Invitae Evidence Modeling of protein sequence and biophysical properties (such as structural, functional, and spatial information, amino acid conservation, physicochemical variation, residue mobility, and thermodynamic stability) indicates that this missense variant is not expected to disrupt BRCA2 protein function with a negative predictive value of 95%. In summary, the available evidence is currently insufficient to determine the role of this variant in disease. Therefore, it has been classified as a Variant of Uncertain Significance.

Institute of Immunology and Genetics Kaiserslautern
Classification: Uncertain significance for Breast-ovarian cancer, familial, susceptibility to, 1. Last evaluated: 2025-09-18. Review status: criteria provided, single submitter. Criteria: ACMG Guidelines, 2015. Collection method: clinical testing. Allele origin: germline. Affected: yes.
Comment: ACMG Criteria: PM2_P; Variant was found in heterozygous state.

Women's Health and Genetics/Laboratory Corporation of America, LabCorp
Classification: Uncertain significance. Last evaluated: 2024-03-05. Review status: criteria provided, single submitter. Criteria: LabCorp Variant Classification Summary - May 2015. Collection method: clinical testing. Allele origin: germline.
Comment: Variant summary: BRCA2 c.1480G>A (p.Val494Met) results in a conservative amino acid change in the encoded protein sequence. Five of five in-silico tools predict a benign effect of the variant on protein function. The variant was absent in 235180 control chromosomes (gnomAD). The available data on variant occurrences in the general population are insufficient to allow any conclusion about variant significance. To our knowledge, no occurrence of c.1480G>A in individuals affected with Hereditary Breast And Ovarian Cancer Syndrome and no experimental evidence demonstrating its impact on protein function have been reported in the literature. ClinVar contains an entry for this variant (Variation ID: 441462). Based on the evidence outlined above, the variant was classified as uncertain significance.

Ambry Genetics
Classification: Likely benign for Hereditary cancer-predisposing syndrome. Last evaluated: 2023-12-18. Review status: criteria provided, single submitter. Criteria: Ambry Variant Classification Scheme 2023. Collection method: clinical testing. Allele origin: germline.

University of Washington Department of Laboratory Medicine, University of Washington
Classification: Likely benign for Hereditary cancer-predisposing syndrome. Last evaluated: 2023-03-23. Review status: criteria provided, single submitter. Criteria: Dines et al. (Genet Med. 2020). Collection method: curation. Allele origin: germline.
Comment: Missense variant in a coldspot region where missense variants are very unlikely to be pathogenic (PMID:31911673).

BRCA2 exon 10 coldspot. Reclassification based on statistical prior probability.

CHEO Genetics Diagnostic Laboratory, Children's Hospital of Eastern Ontario
Classification: Uncertain significance for Breast and/or ovarian cancer. Last evaluated: 2021-09-23. Review status: criteria provided, single submitter. Criteria: ACMG Guidelines, 2015. Collection method: clinical testing. Allele origin: germline. Study: Canadian Open Genetics Repository.

Literature cited by the submitters: PubMed 21520333 (cited by Labcorp Genetics (formerly Invitae), Labcorp); PubMed 39252027 (cited by Labcorp Genetics (formerly Invitae), Labcorp).

NM_000059.4(BRCA2):c.1480G>A (p.Val494Met)

Gene: BRCA2 (BRCA2 DNA repair associated; plus strand). Cytogenetic location: 13q13.1.
Variant type: single nucleotide variant.
Coding change: c.1480G>A on transcript NM_000059.4 (MANE Select); coding-DNA position 1480, G replaced by A.
Protein change: p.Val494Met; replaces valine 494 with methionine.
Molecular consequence: missense variant.
Genome position (GRCh38, 1-based): chr13:32,332,958, G>A. VCF-style: chr13-32332958-G-A. GRCh37 (hg19) VCF-style: chr13-32907095-G-A.
Other names: short protein forms V494M.
Identifiers: ClinVar variation 441462 (VCV000441462.18), dbSNP rs1555281919, ClinGen allele CA387764420.